The following is an entry in ClinVar:

ClinVar aggregate classification (germline): Pathogenic (1 of 4 stars; one submission).

Conditions:
Wilms tumor 1 (WT1). Also called: Wilms tumor, somatic. Identifiers: Orphanet 654, MedGen CN033288, MONDO:0008679, OMIM 194070.

Submission:

Labcorp Genetics (formerly Invitae), Labcorp
Classification: Pathogenic for Wilms tumor 1. Last evaluated: 2023-01-24. Review status: criteria provided, single submitter. Criteria: Invitae Variant Classification Sherloc (09022015). Collection method: clinical testing. Allele origin: germline.
Comment: For these reasons, this variant has been classified as Pathogenic. This variant has not been reported in the literature in individuals affected with GPC3-related conditions. This variant is not present in population databases (gnomAD no frequency). This sequence change creates a premature translational stop signal (p.Asn446Ilefs*5) in the GPC3 gene. It is expected to result in an absent or disrupted protein product. Loss-of-function variants in GPC3 are known to be pathogenic (PMID: 10402475, 12713262, 17603795).

Literature cited by the submitters: PubMed 10402475; PubMed 12713262; PubMed 17603795.

NM_004484.4(GPC3):c.1337del (p.Asn446fs)

Gene: GPC3 (glypican 3; minus strand). Cytogenetic location: Xq26.2.
Variant type: Deletion.
Coding change: c.1337del on transcript NM_004484.4 (MANE Select); coding-DNA position 1337, one base deleted (A; older notation c.1337delA).
Protein change: p.Asn446fs; shifts the reading frame from asparagine 446.
Molecular consequence: frameshift variant.
Genome position (GRCh38, 1-based): chrX:133,661,806, T deleted on the plus strand (A on the coding strand, the reverse complement: GPC3 is on the minus strand); the first of 2 consecutive T bases (chrX:133,661,806-133,661,807); deleting either gives the same sequence. VCF-style (leftmost placement, unchanged base first): chrX-133661805-AT-A. GRCh37 (hg19) VCF-style: chrX-132795833-AT-A.
Other names: c.1406del, p.Asn469fs (NM_001164617.2); c.1289del, p.Asn430fs (NM_001164618.2); c.1175del, p.Asn392fs (NM_001164619.2); short protein forms N392fs, N469fs, N430fs, N446fs.
Identifiers: ClinVar variation 2831388 (VCV002831388.3), dbSNP rs2521016238, ClinGen allele CA2739273786.
Genomic context (GRCh38, chrX:133,661,805, plus strand): 5'-CAGTTTGTCAATAATTTGACTGACCACTGGCTCAGGGCCCTTCATTTTCAGCTCATGGAG[AT>A]TGAACTGGTTTTTCATTCCATTCCTTGCTGCCTTTTGGCTGTATCTGTAAAGGTGAAGGT-3'